The following is an entry in ClinVar:

NM_000400.4(ERCC2):c.749A>T (p.Asn250Ile)

Gene: ERCC2 (ERCC excision repair 2, TFIIH core complex helicase subunit; minus strand). Cytogenetic location: 19q13.32.
Variant type: single nucleotide variant.
Coding change: c.749A>T on transcript NM_000400.4 (MANE Select); coding-DNA position 749, A replaced by T.
Protein change: p.Asn250Ile; replaces asparagine 250 with isoleucine.
Molecular consequence: missense variant.
Genome position (GRCh38, 1-based): chr19:45,364,301, T>A on the plus strand (A>T on the coding strand, the complement: ERCC2 is on the minus strand). VCF-style: chr19-45364301-T-A. GRCh37 (hg19) VCF-style: chr19-45867559-T-A.
Other names: c.677A>T, p.Asn226Ile (NM_001130867.2); short protein forms N226I, N250I.
Identifiers: ClinVar variation 1759185 (VCV001759185.2), dbSNP rs753889198, ClinGen allele CA406374183.
Genomic context (GRCh38, chr19:45,364,301, plus strand): 5'-ACCGTCTTCTGCAGGGTCTCCAGGTTGCCCTGGCACCGGTCAAGGGTCCGGCGGGTGAGG[T>A]TGACGCTCATGGAGTCGATGCAGACGTTGTCTGGAGAAGGGGGAGAGAGCCGGCTCAGGC-3'
Protein context (NP_000391.1, residues 240-260): DNVCIDSMSV[Asn250Ile]LTRRTLDRCQ

ClinVar aggregate classification (germline): Uncertain significance (1 of 4 stars; one submission).

Conditions:
Inborn genetic diseases. Identifiers: MedGen C0950123, MeSH D030342.

Submission:

Ambry Genetics
Classification: Uncertain significance for Inborn genetic diseases. Last evaluated: 2021-06-13. Review status: criteria provided, single submitter. Criteria: Ambry Variant Classification Scheme 2023. Collection method: clinical testing. Allele origin: germline.
Comment: The p.N250I variant (also known as c.749A>T), located in coding exon 9 of the ERCC2 gene, results from an A to T substitution at nucleotide position 749. The asparagine at codon 250 is replaced by isoleucine, an amino acid with dissimilar properties. This amino acid position is conserved. In addition, the in silico prediction for this alteration is inconclusive. Since supporting evidence is limited at this time, the clinical significance of this alteration remains unclear.